The following is an entry in ClinVar:

NM_004281.4(BAG3):c.143C>T (p.Thr48Met)

Gene: BAG3 (BAG cochaperone 3; plus strand). Cytogenetic location: 10q26.11.
Variant type: single nucleotide variant.
Coding change: c.143C>T on transcript NM_004281.4 (MANE Select); coding-DNA position 143, C replaced by T.
Protein change: p.Thr48Met; replaces threonine 48 with methionine.
Molecular consequence: missense variant.
Genome position (GRCh38, 1-based): chr10:119,651,818, C>T. VCF-style: chr10-119651818-C-T. GRCh37 (hg19) VCF-style: chr10-121411330-C-T.
Other names: short protein forms T48M.
Identifiers: ClinVar variation 3749713 (VCV003749713.2).

ClinVar aggregate classification (germline): Uncertain significance (1 of 4 stars; one submission).

Conditions:
Myofibrillar myopathy 6. Identifiers: Orphanet 199340, MedGen C2751831, MONDO:0013061, OMIM 612954.
Dilated cardiomyopathy 1HH (CMD1HH). Identifiers: Orphanet 154, MedGen C3151293, MONDO:0013479, OMIM 613881.

gnomAD v4.1: 2 of 1,593,330 alleles (0.00013%); highest among the groups gnomAD compares: East Asian, 0.0023%; no homozygotes.

Submission:

Labcorp Genetics (formerly Invitae), Labcorp
Classification: Uncertain significance for Dilated cardiomyopathy 1HH; Myofibrillar myopathy 6. Last evaluated: 2025-07-03. Review status: criteria provided, single submitter. Criteria: Invitae Variant Classification Sherloc (09022015). Collection method: clinical testing. Allele origin: germline.
Comment: This sequence change replaces threonine, which is neutral and polar, with methionine, which is neutral and non-polar, at codon 48 of the BAG3 protein (p.Thr48Met). This variant is present in population databases (no rsID available, gnomAD 0.01%). This variant has not been reported in the literature in individuals affected with BAG3-related conditions. ClinVar contains an entry for this variant (Variation ID: 3749713). An algorithm developed to predict the effect of missense changes on protein structure and function (PolyPhen-2) suggests that this variant is likely to be disruptive. In summary, the available evidence is currently insufficient to determine the role of this variant in disease. Therefore, it has been classified as a Variant of Uncertain Significance.